The following is an entry in ClinVar:

ClinVar aggregate classification (germline): Uncertain significance. Review status: criteria provided, multiple submitters, no conflicts (2 of 4 stars). 2 submissions from 2 submitters: Uncertain significance (2). Last evaluated 2025-12-30.

Conditions:
Inborn genetic diseases. Identifiers: MedGen C0950123, MeSH D030342.

Allele frequency attached by ClinVar (database versions not stated): 1000 Genomes Project 0.00020; TOPMed below 0.00001; ExAC 0.00001; gnomAD 0.00002; 1000 Genomes Project 30x 0.00016.
gnomAD v4.1: 4 of 1,614,170 alleles (0.00025%); highest among the groups gnomAD compares: East Asian, 0.0089%; no homozygotes.

Submissions (2):

Labcorp Genetics (formerly Invitae), Labcorp
Classification: Uncertain significance. Last evaluated: 2025-12-30. Review status: criteria provided, single submitter. Criteria: Invitae Variant Classification Sherloc (09022015). Collection method: clinical testing. Allele origin: germline.
Comment: This sequence change replaces alanine, which is neutral and non-polar, with threonine, which is neutral and polar, at codon 349 of the MECOM protein (p.Ala349Thr). This variant is present in population databases (rs571300871, gnomAD 0.02%). This variant has not been reported in the literature in individuals affected with MECOM-related conditions. ClinVar contains an entry for this variant (Variation ID: 2540419). An algorithm developed to predict the effect of missense changes on protein structure and function (PolyPhen-2) suggests that this variant is likely to be tolerated. In summary, the available evidence is currently insufficient to determine the role of this variant in disease. Therefore, it has been classified as a Variant of Uncertain Significance.

Ambry Genetics
Classification: Uncertain significance for Inborn genetic diseases. Last evaluated: 2025-08-20. Review status: criteria provided, single submitter. Criteria: Ambry Variant Classification Scheme 2023. Collection method: clinical testing. Allele origin: germline.
Comment: The p.A537T variant (also known as c.1609G>A), located in coding exon 8 of the MECOM gene, results from a G to A substitution at nucleotide position 1609. The alanine at codon 537 is replaced by threonine, an amino acid with similar properties. This amino acid position is conserved. In addition, this alteration is predicted to be tolerated by in silico analysis. Based on the available evidence, the clinical significance of this variant remains unclear.

NM_004991.4(MECOM):c.1609G>A (p.Ala537Thr)

Gene: MECOM (MDS1 and EVI1 complex locus; minus strand). Cytogenetic location: 3q26.2.
Variant type: single nucleotide variant.
Coding change: c.1609G>A on transcript NM_004991.4 (MANE Select); coding-DNA position 1609, G replaced by A.
Protein change: p.Ala537Thr; replaces alanine 537 with threonine.
Molecular consequence: missense variant. On other transcripts: intron variant (2).
Genome position (GRCh38, 1-based): chr3:169,116,263, C>T on the plus strand (G>A on the coding strand, the complement: MECOM is on the minus strand). VCF-style: chr3-169116263-C-T. GRCh37 (hg19) VCF-style: chr3-168834051-C-T.
Other names: c.1240G>A, p.Ala414Thr (NM_001105077.4); c.1045G>A, p.Ala349Thr (NM_001105078.4, NM_001164000.2, NM_001205194.2 and 4 more transcripts); c.1048G>A, p.Ala350Thr (NM_001163999.2, NM_001366467.2, NM_001366468.2 and 1 more transcripts); c.1609G>A, p.Ala537Thr (NM_001366466.2); c.1133-496G>A (NM_001366473.2); c.569-496G>A (NM_001366474.2); short protein forms A349T, A414T, A537T, A350T.
Identifiers: ClinVar variation 2540419 (VCV002540419.4), dbSNP rs571300871, ClinGen allele CA2696315.